The following is an entry in ClinVar:

NM_005050.4(ABCD4):c.1125del (p.Trp377fs)

Gene: ABCD4 (ATP binding cassette subfamily D member 4; minus strand). Cytogenetic location: 14q24.3.
Variant type: Deletion.
Coding change: c.1125del on transcript NM_005050.4 (MANE Select); coding-DNA position 1125, one base deleted (A; older notation c.1125delA).
Protein change: p.Trp377fs; shifts the reading frame from tryptophan 377.
Molecular consequence: frameshift variant. On other transcripts: non-coding transcript variant (10).
Genome position (GRCh38, 1-based): chr14:74,290,493, T deleted on the plus strand (A on the coding strand, the reverse complement: ABCD4 is on the minus strand). VCF-style (leftmost placement, unchanged base first): chr14-74290492-CT-C. GRCh37 (hg19) VCF-style: chr14-74757195-CT-C.
Other names: c.999del, p.Trp335fs (NM_001353591.2, NM_001353592.2); c.864del, p.Trp290fs (NM_001353593.2); c.813del, p.Trp273fs (NM_001353594.2); c.711del, p.Trp239fs (NM_001353595.2, NM_001353596.2); c.660del, p.Trp222fs (NM_001353597.2); c.648del, p.Trp218fs (NM_001353598.2, NM_001353599.2, NM_001353600.2 and 2 more transcripts); c.336del, p.Trp114fs (NM_001353602.2, NM_001353603.2, NM_001353604.2 and 6 more transcripts); c.1125del, p.Trp377fs (NM_020325.3); short protein forms W114fs, W218fs, W222fs, W239fs, W273fs, W290fs, W335fs, W377fs.
Identifiers: ClinVar variation 1335925 (VCV001335925.8), dbSNP rs1440898011, ClinGen allele CA615192878.

ClinVar aggregate classification (germline): Pathogenic. Review status: criteria provided, multiple submitters, no conflicts (2 of 4 stars). 2 submissions from 2 submitters: Pathogenic (2). Last evaluated 2023-12-07.

Conditions:
Methylmalonic acidemia with homocystinuria, type cblJ (MAHCJ). Also called: METHYLMALONIC ACIDURIA AND HOMOCYSTINURIA, cblJ TYPE. Identifiers: Orphanet 369955, MedGen C3553915, MONDO:0013925, OMIM 614857.

Allele frequency attached by ClinVar (database versions not stated): TOPMed 0.00001; gnomAD exomes below 0.00001.

Submissions (2):

Labcorp Genetics (formerly Invitae), Labcorp
Classification: Pathogenic for Methylmalonic acidemia with homocystinuria, type cblJ. Last evaluated: 2023-12-07. Review status: criteria provided, single submitter. Criteria: Invitae Variant Classification Sherloc (09022015). Collection method: clinical testing. Allele origin: germline.
Comment: This sequence change creates a premature translational stop signal (p.Trp377Glyfs*27) in the ABCD4 gene. It is expected to result in an absent or disrupted protein product. Loss-of-function variants in ABCD4 are known to be pathogenic (PMID: 22922874). This variant is present in population databases (no rsID available, gnomAD no frequency). This variant has not been reported in the literature in individuals affected with ABCD4-related conditions. ClinVar contains an entry for this variant (Variation ID: 1335925). For these reasons, this variant has been classified as Pathogenic.

Genetic Services Laboratory, University of Chicago
Classification: Pathogenic. Last evaluated: 2017-07-28. Review status: criteria provided, single submitter. Criteria: ACMG Guidelines, 2015. Collection method: clinical testing. Allele origin: germline. Affected: yes.

Literature cited by the submitters: PubMed 22922874 (cited by Labcorp Genetics (formerly Invitae), Labcorp).